The following is an entry in ClinVar:

NM_001349338.3(FOXP1):c.1198C>G (p.Pro400Ala)

Gene: FOXP1 (forkhead box P1; minus strand). Cytogenetic location: 3p13.
Variant type: single nucleotide variant.
Coding change: c.1198C>G on transcript NM_001349338.3 (MANE Select); coding-DNA position 1198, C replaced by G.
Protein change: p.Pro400Ala; replaces proline 400 with alanine.
Molecular consequence: missense variant. On other transcripts: non-coding transcript variant (2).
Genome position (GRCh38, 1-based): chr3:70,977,978, G>C on the plus strand (C>G on the coding strand, the complement: FOXP1 is on the minus strand). VCF-style: chr3-70977978-G-C. GRCh37 (hg19) VCF-style: chr3-71027129-G-C.
Other names: c.1198C>G, p.Pro400Ala (NM_001244808.3, NM_001244810.2, NM_001244814.3 and 4 more transcripts); c.970C>G, p.Pro324Ala (NM_001244812.3); c.898C>G, p.Pro300Ala (NM_001244813.3, NM_001244815.2, NM_001349342.3 and 1 more transcripts); c.895C>G, p.Pro299Ala (NM_001349337.2, NM_001349343.3, NM_001349344.3); c.1195C>G, p.Pro399Ala (NM_001349341.3); short protein forms P299A, P300A, P324A, P399A, P400A.
Identifiers: ClinVar variation 1966631 (VCV001966631.5), dbSNP rs1395893103, ClinGen allele CA353494076.

ClinVar aggregate classification (germline): Uncertain significance (1 of 4 stars; one submission).

Allele frequency attached by ClinVar (database versions not stated): gnomAD 0.00001.
gnomAD v4.1: 4 of 1,614,044 alleles (0.00025%); highest among the groups gnomAD compares: African/African-American, 0.004%; no homozygotes.

Submission:

Labcorp Genetics (formerly Invitae), Labcorp
Classification: Uncertain significance. Last evaluated: 2025-04-23. Review status: criteria provided, single submitter. Criteria: Invitae Variant Classification Sherloc (09022015). Collection method: clinical testing. Allele origin: germline.
Comment: This sequence change replaces proline, which is neutral and non-polar, with alanine, which is neutral and non-polar, at codon 400 of the FOXP1 protein (p.Pro400Ala). This variant is not present in population databases (gnomAD no frequency). This variant has not been reported in the literature in individuals affected with FOXP1-related conditions. ClinVar contains an entry for this variant (Variation ID: 1966631). Invitae Evidence Modeling of protein sequence and biophysical properties (such as structural, functional, and spatial information, amino acid conservation, physicochemical variation, residue mobility, and thermodynamic stability) indicates that this missense variant is not expected to disrupt FOXP1 protein function with a negative predictive value of 80%. In summary, the available evidence is currently insufficient to determine the role of this variant in disease. Therefore, it has been classified as a Variant of Uncertain Significance.